The following is an entry in ClinVar:

NM_006431.3(CCT2):c.1477A>G (p.Ile493Val)

Gene: CCT2 (chaperonin containing TCP1 subunit 2; plus strand). Cytogenetic location: 12q15.
Variant type: single nucleotide variant.
Coding change: c.1477A>G on transcript NM_006431.3 (MANE Select); coding-DNA position 1477, A replaced by G.
Protein change: p.Ile493Val; replaces isoleucine 493 with valine.
Molecular consequence: missense variant.
Genome position (GRCh38, 1-based): chr12:69,599,904, A>G. VCF-style: chr12-69599904-A-G. GRCh37 (hg19) VCF-style: chr12-69993684-A-G.
Other names: c.1336A>G, p.Ile446Val (NM_001198842.2); short protein forms I446V, I493V.
Identifiers: ClinVar variation 1054156 (VCV001054156.9), dbSNP rs559620948, ClinGen allele CA6680886.
Genomic context (GRCh38, chr12:69,599,904, plus strand): 5'-AATTTGTTTTTCTTTGCAGATATGAGGGAAGGCACCATTGGAGATATGGCTATCCTGGGT[A>G]TAACAGAAAGTTTTCAAGTGAAGCGACAGGTTCTTCTGAGTGCAGCTGAAGCAGCAGAGG-3'
Protein context (NP_006422.1, residues 483-503): GTIGDMAILG[Ile493Val]TESFQVKRQV

ClinVar aggregate classification (germline): Uncertain significance (1 of 4 stars; one submission).

Allele frequency attached by ClinVar (database versions not stated): gnomAD exomes below 0.00001 and 0.00002; gnomAD 0.00002 and 0.00003; ExAC 0.00006; 1000 Genomes Project 0.00040; 1000 Genomes Project 30x 0.00047.
gnomAD v4.1: 11 of 1,613,906 alleles (0.00068%); highest among the groups gnomAD compares: East Asian, 0.018%; no homozygotes.

Submission:

Labcorp Genetics (formerly Invitae), Labcorp
Classification: Uncertain significance. Last evaluated: 2024-05-04. Review status: criteria provided, single submitter. Criteria: Invitae Variant Classification Sherloc (09022015). Collection method: clinical testing. Allele origin: germline.
Comment: This sequence change replaces isoleucine, which is neutral and non-polar, with valine, which is neutral and non-polar, at codon 493 of the CCT2 protein (p.Ile493Val). This variant is present in population databases (rs559620948, gnomAD 0.03%). This variant has not been reported in the literature in individuals affected with CCT2-related conditions. ClinVar contains an entry for this variant (Variation ID: 1054156). An algorithm developed to predict the effect of missense changes on protein structure and function (PolyPhen-2) suggests that this variant is likely to be tolerated. In summary, the available evidence is currently insufficient to determine the role of this variant in disease. Therefore, it has been classified as a Variant of Uncertain Significance.